The following is an entry in ClinVar:

NM_000090.4(COL3A1):c.1668T>G (p.Ser556Arg)

Gene: COL3A1 (collagen type III alpha 1 chain; plus strand). Cytogenetic location: 2q32.2.
Variant type: single nucleotide variant.
Coding change: c.1668T>G on transcript NM_000090.4 (MANE Select); coding-DNA position 1668, T replaced by G.
Protein change: p.Ser556Arg; replaces serine 556 with arginine.
Molecular consequence: missense variant.
Genome position (GRCh38, 1-based): chr2:188,996,403, T>G. VCF-style: chr2-188996403-T-G. GRCh37 (hg19) VCF-style: chr2-189861129-T-G.
Other names: short protein forms S556R.
Identifiers: ClinVar variation 1312300 (VCV001312300.9), dbSNP rs1688319570, ClinGen allele CA349852557.

ClinVar aggregate classification (germline): Uncertain significance. Review status: criteria provided, multiple submitters, no conflicts (2 of 4 stars). 7 submissions from 7 submitters: Uncertain significance (7). Last evaluated 2026-08-22.

Conditions:
COL3A1-related disorder. Also called: COL3A1-related condition.
Familial thoracic aortic aneurysm and aortic dissection (TAAD). Also called: Thoracic aortic aneurysms and dissections. Identifiers: Orphanet 91387, MedGen C4707243, MONDO:0019625.
Ehlers-Danlos syndrome, type 4 (EDSVASC). Also called: Ehlers-Danlos syndrome vascular type; Ehlers Danlos syndrome, ecchymotic type; Ehlers Danlos syndrome, arterial type; Ehlers Danlos syndrome, Sack-Barabas type; Ehlers-Danlos Syndrome Type IV. Identifiers: Orphanet 286, MedGen C0268338, MONDO:0017314, OMIM 130050.

Allele frequency attached by ClinVar (database versions not stated): gnomAD exomes below 0.00001.
gnomAD v4.1: 3 of 1,613,308 alleles (0.00019%); highest among the groups gnomAD compares: Non-Finnish European, 0.00025%; no homozygotes.

Submissions (7):

Ambry Genetics
Classification: Uncertain significance for Familial thoracic aortic aneurysm and aortic dissection. Last evaluated: 2026-08-22. Review status: criteria provided, single submitter. Criteria: Ambry Variant Classification Scheme 2023. Collection method: clinical testing. Allele origin: germline.
Comment: The p.S556R variant (also known as c.1668T>G), located in coding exon 24 of the COL3A1 gene, results from a T to G substitution at nucleotide position 1668. The serine at codon 556 is replaced by arginine, an amino acid with dissimilar properties. This amino acid position is conserved. In addition, the in silico prediction for this alteration is inconclusive. Based on the available evidence, the clinical significance of this variant remains unclear.

Labcorp Genetics (formerly Invitae), Labcorp
Classification: Uncertain significance for Ehlers-Danlos syndrome, type 4. Last evaluated: 2025-09-15. Review status: criteria provided, single submitter. Criteria: Invitae Variant Classification Sherloc (09022015). Collection method: clinical testing. Allele origin: germline.
Comment: This sequence change replaces serine, which is neutral and polar, with arginine, which is basic and polar, at codon 556 of the COL3A1 protein (p.Ser556Arg). This variant is not present in population databases (gnomAD no frequency). This variant has not been reported in the literature in individuals affected with COL3A1-related conditions. ClinVar contains an entry for this variant (Variation ID: 1312300). Invitae Evidence Modeling of protein sequence and biophysical properties (such as structural, functional, and spatial information, amino acid conservation, physicochemical variation, residue mobility, and thermodynamic stability) indicates that this missense variant is not expected to disrupt COL3A1 protein function with a negative predictive value of 95%. In summary, the available evidence is currently insufficient to determine the role of this variant in disease. Therefore, it has been classified as a Variant of Uncertain Significance.

PreventionGenetics, part of Exact Sciences
Classification: Uncertain significance for COL3A1-related condition. Last evaluated: 2025-08-16. Review status: criteria provided, single submitter. Criteria: ACMG Guidelines, 2015. Collection method: clinical testing. Allele origin: germline.
Comment: The COL3A1 c.1668T>G variant is predicted to result in the amino acid substitution p.Ser556Arg. To our knowledge, this variant has not been reported in the literature or in a large population database (gnomAD), indicating this variant is rare. At this time, the clinical significance of this variant is uncertain due to the absence of conclusive functional and genetic evidence.

Women's Health and Genetics/Laboratory Corporation of America, LabCorp
Classification: Uncertain significance. Last evaluated: 2024-08-20. Review status: criteria provided, single submitter. Criteria: LabCorp Variant Classification Summary - May 2015. Collection method: clinical testing. Allele origin: germline.
Comment: Variant summary: COL3A1 c.1668T>G (p.Ser556Arg) results in a non-conservative amino acid change in the encoded protein sequence. Four of five in-silico tools predict a benign effect of the variant on protein function. The variant was absent in 251084 control chromosomes. The available data on variant occurrences in the general population are insufficient to allow any conclusion about variant significance. To our knowledge, no occurrence of c.1668T>G in individuals affected with COL3A1-related conditions and no experimental evidence demonstrating its impact on protein function have been reported. ClinVar contains an entry for this variant (Variation ID: 1312300). Based on the evidence outlined above, the variant was classified as uncertain significance.

All of Us Research Program, National Institutes of Health
Classification: Uncertain significance for Ehlers-Danlos syndrome, type 4. Last evaluated: 2023-12-18. Review status: criteria provided, single submitter. Criteria: ACMG Guidelines, 2015. Collection method: clinical testing. Allele origin: germline. Inheritance: Autosomal dominant inheritance. Observed: 1 variant allele, 1 heterozygote.
Comment: This missense variant replaces serine with arginine at codon 556 of the COL3A1 protein. Computational prediction suggests that this variant may not impact protein structure and function (internally defined REVEL score threshold <= 0.5, PMID: 27666373). To our knowledge, functional studies have not been reported for this variant. This variant has not been reported in individuals affected with COL3A1-related disorders in the literature. This variant has not been identified in the general population by the Genome Aggregation Database (gnomAD). The available evidence is insufficient to determine the role of this variant in disease conclusively. Therefore, this variant is classified as a Variant of Uncertain Significance.

This study involves interpretation of variants in research participants for the purpose of population health screening. Participant phenotype was not available at the time of variant classification. Additional details can be found in publication PMID: 35346344, PMCID: PMC8962531

Color Diagnostics, LLC DBA Color Health
Classification: Uncertain significance for Familial thoracic aortic aneurysm and aortic dissection. Last evaluated: 2023-12-06. Review status: criteria provided, single submitter. Criteria: ACMG Guidelines, 2015. Collection method: clinical testing. Allele origin: germline.
Comment: This missense variant replaces serine with arginine at codon 556 of the COL3A1 protein. Computational prediction suggests that this variant may not impact protein structure and function. To our knowledge, functional studies have not been reported for this variant. This variant has not been reported in individuals affected with COL3A1-related disorders in the literature. This variant has not been identified in the general population by the Genome Aggregation Database (gnomAD). The available evidence is insufficient to determine the role of this variant in disease conclusively. Therefore, this variant is classified as a Variant of Uncertain Significance.

GeneDx
Classification: Uncertain significance. Last evaluated: 2019-11-08. Review status: criteria provided, single submitter. Criteria: GeneDx Variant Classification Process June 2021. Collection method: clinical testing. Allele origin: germline. Affected: yes.
Comment: Has not been previously published as pathogenic or benign to our knowledge; Not observed in large population cohorts (Lek et al., 2016); In silico analysis, which includes protein predictors and evolutionary conservation, supports that this variant does not alter protein structure/function; Occurs in the triple helical domain at the X position in the canonical Gly-X-Y repeat; although this variant may have an effect on normal protein folding and function, missense substitution at the X position is not a common mechanism of disease (Stenson et al., 2014)